The following is an entry in ClinVar:

ClinVar aggregate classification (germline): Uncertain significance (1 of 4 stars; one submission).

Allele frequency attached by ClinVar (database versions not stated): TOPMed 0.00002; gnomAD 0.00003; ExAC 0.00008; 1000 Genomes Project 30x 0.00031; 1000 Genomes Project 0.00040.
gnomAD v4.1: 109 of 1,614,124 alleles (0.0068%); highest among the groups gnomAD compares: South Asian, 0.059%; 1 homozygote.

Submission:

Labcorp Genetics (formerly Invitae), Labcorp
Classification: Uncertain significance. Last evaluated: 2022-07-11. Review status: criteria provided, single submitter. Criteria: Invitae Variant Classification Sherloc (09022015). Collection method: clinical testing. Allele origin: germline.
Comment: This sequence change replaces valine, which is neutral and non-polar, with methionine, which is neutral and non-polar, at codon 816 of the LAMC3 protein (p.Val816Met). This variant is present in population databases (rs576989735, gnomAD 0.05%). This variant has not been reported in the literature in individuals affected with LAMC3-related conditions. Algorithms developed to predict the effect of missense changes on protein structure and function are either unavailable or do not agree on the potential impact of this missense change (SIFT: "Deleterious"; PolyPhen-2: "Possibly Damaging"; Align-GVGD: "Class C0"). In summary, the available evidence is currently insufficient to determine the role of this variant in disease. Therefore, it has been classified as a Variant of Uncertain Significance.

NM_006059.4(LAMC3):c.2446G>A (p.Val816Met)

Gene: LAMC3 (laminin subunit gamma 3; plus strand). Cytogenetic location: 9q34.12.
Variant type: single nucleotide variant.
Coding change: c.2446G>A on transcript NM_006059.4 (MANE Select); coding-DNA position 2446, G replaced by A.
Protein change: p.Val816Met; replaces valine 816 with methionine.
Molecular consequence: missense variant.
Genome position (GRCh38, 1-based): chr9:131,067,058, G>A. VCF-style: chr9-131067058-G-A. GRCh37 (hg19) VCF-style: chr9-133942445-G-A.
Other names: short protein forms V816M.
Identifiers: ClinVar variation 2421256 (VCV002421256.3), dbSNP rs576989735, ClinGen allele CA5287438.